The following is an entry in ClinVar:

NM_130839.5(UBE3A):c.746T>C (p.Ile249Thr)

Genes: SNHG14 (small nucleolar RNA host gene 14; plus strand), UBE3A (ubiquitin protein ligase E3A; minus strand). Cytogenetic location: 15q11.2.
Variant type: single nucleotide variant.
Coding change: c.746T>C on transcript NM_130839.5 (MANE Select); coding-DNA position 746, T replaced by C.
Protein change: p.Ile249Thr; replaces isoleucine 249 with threonine.
Molecular consequence: missense variant. On other transcripts: non-coding transcript variant (1), intron variant (2).
Genome position (GRCh38, 1-based): chr15:25,371,428, A>G on the plus strand (T>C on the coding strand, the complement: UBE3A is on the minus strand). VCF-style: chr15-25371428-A-G. GRCh37 (hg19) VCF-style: chr15-25616575-A-G.
Other names: c.755T>C, p.Ile252Thr (NM_000462.5); c.746T>C, p.Ile249Thr (NM_001354505.1, NM_001354538.2, NM_001354545.2); c.686T>C, p.Ile229Thr (NM_001354506.2, NM_001354507.2, NM_001354508.2 and 17 more transcripts); c.301+4037T>C (NM_001354551.2); c.361+4037T>C (NM_001354550.2); c.569T>C, p.Ile190Thr (NM_001354546.2); short protein forms I190T, I229T, I249T, I252T.
Identifiers: ClinVar variation 4681063 (VCV004681063.1).
Genomic context (GRCh38, chr15:25,371,428, plus strand): 5'-GTCAAGTCACATTCCACGTTAGGTGACAAATATACAAGTGCATTGAGAAAGGCAGTTTCA[A>G]TTTTTTCATTAGAGAGCAATCTGGTGTAGACCCTTCTAATGGCATCAATATCCACAGACA-3'
Protein context (NP_570854.1, residues 239-259): VYTRLLSNEK[Ile249Thr]ETAFLNALVY

ClinVar aggregate classification (germline): Uncertain significance (1 of 4 stars; one submission).

Submission:

GeneDx
Classification: Uncertain significance. Last evaluated: 2025-07-05. Review status: criteria provided, single submitter. Criteria: GeneDx Variant Classification Process June 2021. Collection method: clinical testing. Allele origin: germline. Affected: yes.
Comment: Not observed at significant frequency in large population cohorts (gnomAD); In silico analysis suggests that this missense variant does not alter protein structure/function; Has not been previously published as pathogenic or benign to our knowledge